The following is an entry in ClinVar:

NM_145207.3(AFG2A):c.1466G>A (p.Ser489Asn)

Gene: AFG2A (AAA ATPase AFG2A; plus strand). Cytogenetic location: 4q28.1.
Variant type: single nucleotide variant.
Coding change: c.1466G>A on transcript NM_145207.3 (MANE Select); coding-DNA position 1466, G replaced by A.
Protein change: p.Ser489Asn; replaces serine 489 with asparagine.
Molecular consequence: missense variant.
Genome position (GRCh38, 1-based): chr4:122,947,240, G>A. VCF-style: chr4-122947240-G-A. GRCh37 (hg19) VCF-style: chr4-123868395-G-A.
Other names: c.1463G>A, p.Ser488Asn (NM_001317799.2, NM_001345856.2); short protein forms S489N, S488N.
Identifiers: ClinVar variation 1475596 (VCV001475596.7), dbSNP rs2125773366, ClinGen allele CA358108041.
Genomic context (GRCh38, chr4:122,947,240, plus strand): 5'-TTTTTTTTTCTAACTTTCAGAAAAATAAATTTATTTTCATTTTATTTTGTTAGGAAGTAA[G>A]TGAAGGACAAGTGTTGGTTCTTGGGGCCACAAATCGCCCTCATGCCTTGGATGCTGCTCT-3'
Protein context (NP_660208.2, residues 479-499): TLMDGIGSEV[Ser489Asn]EGQVLVLGAT

ClinVar aggregate classification (germline): Uncertain significance (1 of 4 stars; one submission).

Conditions:
Microcephaly-intellectual disability-sensorineural hearing loss-epilepsy-abnormal muscle tone syndrome (NEDHSB). Also called: NEURODEVELOPMENTAL DISORDER WITH HEARING LOSS, SEIZURES, AND BRAIN ABNORMALITIES. Identifiers: Orphanet 457351, MedGen C4225276, MONDO:0014698, OMIM 616577.

Submission:

Labcorp Genetics (formerly Invitae), Labcorp
Classification: Uncertain significance for Microcephaly-intellectual disability-sensorineural hearing loss-epilepsy-abnormal muscle tone syndrome. Last evaluated: 2024-10-15. Review status: criteria provided, single submitter. Criteria: Invitae Variant Classification Sherloc (09022015). Collection method: clinical testing. Allele origin: germline.
Comment: This sequence change replaces serine, which is neutral and polar, with asparagine, which is neutral and polar, at codon 489 of the SPATA5 protein (p.Ser489Asn). This variant is not present in population databases (gnomAD no frequency). This variant has not been reported in the literature in individuals affected with SPATA5-related conditions. ClinVar contains an entry for this variant (Variation ID: 1475596). Invitae Evidence Modeling of protein sequence and biophysical properties (such as structural, functional, and spatial information, amino acid conservation, physicochemical variation, residue mobility, and thermodynamic stability) indicates that this missense variant is not expected to disrupt SPATA5 protein function with a negative predictive value of 95%. In summary, the available evidence is currently insufficient to determine the role of this variant in disease. Therefore, it has been classified as a Variant of Uncertain Significance.